The following is an entry in ClinVar:

ClinVar aggregate classification (germline): Uncertain significance (1 of 4 stars; one submission).

Conditions:
Glycogen storage disease, type IV (GSD4). Also called: AMYLOPECTINOSIS; ANDERSEN DISEASE; BRANCHER DEFICIENCY; CIRRHOSIS, FAMILIAL, WITH DEPOSITION OF ABNORMAL GLYCOGEN; GBE1 DEFICIENCY; GLYCOGEN BRANCHING ENZYME DEFICIENCY. Identifiers: Orphanet 367, MedGen C0017923, MONDO:0009292, OMIM 232500.
Glycogen storage disease IV, classic hepatic. Also called: GSD IV, CLASSIC HEPATIC. Identifiers: MedGen C1856301.

Submission:

Labcorp Genetics (formerly Invitae), Labcorp
Classification: Uncertain significance for Glycogen storage disease, type IV; Glycogen storage disease IV, classic hepatic. Last evaluated: 2021-10-08. Review status: criteria provided, single submitter. Criteria: Invitae Variant Classification Sherloc (09022015). Collection method: clinical testing. Allele origin: germline.
Comment: This variant results in a copy number gain of the genomic region encompassing exon(s) 2-16 of the GBE1 gene. This region includes the termination codon of the gene. This copy number gain extends beyond the assayed region for this gene and therefore may encompass additional genes. As the precise location of this event is unknown, it may be in tandem or it may be located elsewhere in the genome. This variant has not been reported in the literature in individuals affected with GBE1-related conditions. In summary, the available evidence is currently insufficient to determine the role of this variant in disease. Therefore, it has been classified as a Variant of Uncertain Significance.

NC_000003.11:g.(?_81539558)_(81754784_?)dup

Gene: GBE1 (1,4-alpha-glucan branching enzyme 1; minus strand). Cytogenetic location: 3p12.2.
Variant type: Duplication.
Identifiers: ClinVar variation 1480360 (VCV001480360.3).